The following is an entry in ClinVar:

NM_000059.4(BRCA2):c.3154G>A (p.Ala1052Thr)

Gene: BRCA2 (BRCA2 DNA repair associated; plus strand). Cytogenetic location: 13q13.1.
Variant type: single nucleotide variant.
Coding change: c.3154G>A on transcript NM_000059.4 (MANE Select); coding-DNA position 3154, G replaced by A.
Protein change: p.Ala1052Thr; replaces alanine 1052 with threonine.
Molecular consequence: missense variant.
Genome position (GRCh38, 1-based): chr13:32,337,509, G>A. VCF-style: chr13-32337509-G-A. GRCh37 (hg19) VCF-style: chr13-32911646-G-A.
Other names: p.A1052T:GCA>ACA; short protein forms A1052T.
Identifiers: ClinVar variation 182195 (VCV000182195.17), dbSNP rs730881520, ClinGen allele CA017317.

ClinVar aggregate classification (germline): Conflicting classifications of pathogenicity. Review status: criteria provided, conflicting classifications (1 of 4 stars). 6 submissions from 6 submitters: Uncertain significance (4); Likely benign (2). Last evaluated 2025-01-15.

Conditions:
Hereditary cancer-predisposing syndrome. Also called: Tumor predisposition; Hereditary Cancer Syndrome; Hereditary neoplastic syndrome; Neoplastic Syndromes, Hereditary. Identifiers: Orphanet 140162, MedGen C0027672, MeSH D009386, MONDO:0015356.
Hereditary breast ovarian cancer syndrome. Also called: Breast and ovarian cancer; Hereditary breast and ovarian cancer; Hereditary breast and/or ovarian cancer syndrome; BRCA1- and BRCA2-Associated Hereditary Breast and Ovarian Cancer; Hereditary breast and ovarian cancer syndrome (HBOC); Hereditary breast and ovarian cancer syndrome. Identifiers: Orphanet 145, MedGen C0677776, MeSH D061325, MONDO:0003582. Disease mechanism: loss of function.

Allele frequency attached by ClinVar (database versions not stated): gnomAD exomes below 0.00001.
gnomAD v4.1: 4 of 1,607,818 alleles (0.00025%); highest among the groups gnomAD compares: Non-Finnish European, 0.00034%; no homozygotes.

Submissions (6):

Ambry Genetics
Classification: Likely benign for Hereditary cancer-predisposing syndrome. Last evaluated: 2025-01-15. Review status: criteria provided, single submitter. Criteria: Ambry Variant Classification Scheme 2023. Collection method: clinical testing. Allele origin: germline.

Labcorp Genetics (formerly Invitae), Labcorp
Classification: Uncertain significance for Hereditary breast ovarian cancer syndrome. Last evaluated: 2024-10-02. Review status: criteria provided, single submitter. Criteria: Invitae Variant Classification Sherloc (09022015). Collection method: clinical testing. Allele origin: germline.
Comment: This sequence change replaces alanine, which is neutral and non-polar, with threonine, which is neutral and polar, at codon 1052 of the BRCA2 protein (p.Ala1052Thr). This variant is not present in population databases (gnomAD no frequency). This variant has not been reported in the literature in individuals affected with BRCA2-related conditions. ClinVar contains an entry for this variant (Variation ID: 182195). Invitae Evidence Modeling of protein sequence and biophysical properties (such as structural, functional, and spatial information, amino acid conservation, physicochemical variation, residue mobility, and thermodynamic stability) indicates that this missense variant is not expected to disrupt BRCA2 protein function with a negative predictive value of 95%. In summary, the available evidence is currently insufficient to determine the role of this variant in disease. Therefore, it has been classified as a Variant of Uncertain Significance.

University of Washington Department of Laboratory Medicine, University of Washington
Classification: Likely benign for Hereditary cancer-predisposing syndrome. Last evaluated: 2023-03-23. Review status: criteria provided, single submitter. Criteria: Dines et al. (Genet Med. 2020). Collection method: curation. Allele origin: germline.
Comment: Missense variant in a coldspot region where missense variants are very unlikely to be pathogenic (PMID:31911673).

BRCA2 exon 11 coldspot. Reclassification based on statistical prior probability.

Color Diagnostics, LLC DBA Color Health
Classification: Uncertain significance for Hereditary cancer-predisposing syndrome. Last evaluated: 2021-04-20. Review status: criteria provided, single submitter. Criteria: ACMG Guidelines, 2015. Collection method: clinical testing. Allele origin: germline.
Comment: This missense variant replaces alanine with threonine at codon 1052 of the BRCA2 protein. Computational prediction suggests that this variant may not impact protein structure and function (internally defined REVEL score threshold <= 0.5, PMID: 27666373). To our knowledge, functional studies have not been reported for this variant. This variant has not been reported in individuals affected with hereditary cancer in the literature. This variant has not been identified in the general population by the Genome Aggregation Database (gnomAD). The available evidence is insufficient to determine the role of this variant in disease conclusively. Therefore, this variant is classified as a Variant of Uncertain Significance.

Women's Health and Genetics/Laboratory Corporation of America, LabCorp
Classification: Uncertain significance. Last evaluated: 2016-07-31. Review status: criteria provided, single submitter. Criteria: LabCorp Variant Classification Summary - May 2015. Collection method: clinical testing. Allele origin: germline.
Comment: Variant summary: The BRCA2 c.3154G>A (p.Ala1052Thr) variant causes a missense change involving a non-conserved nucleotide with 3/4 in silico tools (SNPs&GO not captured here due to low reliability) predicting a "benign" outcome, although these predictions have yet to be functionally assessed. The variant of interest was not observed in controls (ExAC, 1000 Gs or ESP), nor has it been to our knowledge, reported in affected individuals via publications. A reputable clinical laboratory cites the variant as "uncertain significance." Therefore, taking all available lines of evidence into consideration, the variant of interest has been classified as a "Variant of Uncertain Significance (VUS)," until additional information.

GeneDx
Classification: Uncertain significance. Last evaluated: 2014-09-10. Review status: criteria provided, single submitter. Criteria: GeneDx Variant Classification (06012015). Collection method: clinical testing. Allele origin: germline. Affected: yes.
Comment: This variant is denoted BRCA2 c.3154G>A at the cDNA level, p.Ala1052Thr (A1052T) at the protein level, and results in the change of an Alanine to a Threonine (GCA>ACA). This variant has not, to our knowledge, been published in the literature as pathogenic or benign. BRCA2 Ala1052Thr was not observed in approximately 6,500 individuals of European and African American ancestry in the NHLBI Exome Sequencing Project, indicating it is not a common benign variant in these populations. Since Alanine and Threonine differ in polarity, charge, size or other properties, this is considered a non-conservative amino acid substitution. BRCA2 Ala1052Thr occurs at a position that is poorly conserved across species and accepts Threonine in several species. This variant is not located in a known functional domain. In silico analyses predict that this variant is unlikely to alter protein structure or function. Based on currently available information, it is unclear whether BRCA2 Ala1052Thr is pathogenic or benign. We consider it to be a variant of uncertain significance.